The following is an entry in ClinVar:

ClinVar aggregate classification (germline): Uncertain significance (1 of 4 stars; one submission).

Submission:

GeneDx
Classification: Uncertain significance. Last evaluated: 2024-02-06. Review status: criteria provided, single submitter. Criteria: GeneDx Variant Classification Process June 2021. Collection method: clinical testing. Allele origin: germline. Affected: yes.
Comment: Not observed at significant frequency in large population cohorts (gnomAD); In silico analysis supports that this missense variant has a deleterious effect on protein structure/function; Has not been previously published as pathogenic or benign to our knowledge

NM_080632.3(UPF3B):c.1036A>T (p.Arg346Trp)

Gene: UPF3B (UPF3B regulator of nonsense mediated mRNA decay; minus strand). Cytogenetic location: Xq24.
Variant type: single nucleotide variant.
Coding change: c.1036A>T on transcript NM_080632.3 (MANE Select); coding-DNA position 1036, A replaced by T.
Protein change: p.Arg346Trp; replaces arginine 346 with tryptophan.
Molecular consequence: missense variant.
Genome position (GRCh38, 1-based): chrX:119,838,023, T>A on the plus strand (A>T on the coding strand, the complement: UPF3B is on the minus strand). VCF-style: chrX-119838023-T-A. GRCh37 (hg19) VCF-style: chrX-118971986-T-A.
Other names: c.997A>T, p.Arg333Trp (NM_023010.4); short protein forms R333W, R346W.
Identifiers: ClinVar variation 3368866 (VCV003368866.1).